The following is an entry in ClinVar:

ClinVar aggregate classification (germline): Uncertain significance (1 of 4 stars; one submission).

Conditions:
Cardiovascular phenotype. Identifiers: MedGen CN230736.

Allele frequency attached by ClinVar (database versions not stated): TOPMed below 0.00001; gnomAD 0.00001.
gnomAD v4.1: 11 of 1,610,966 alleles (0.00068%); highest among the groups gnomAD compares: Non-Finnish European, 0.00093%; no homozygotes.

Submission:

Ambry Genetics
Classification: Uncertain significance for Cardiovascular phenotype. Last evaluated: 2021-06-23. Review status: criteria provided, single submitter. Criteria: Ambry Variant Classification Scheme 2023. Collection method: clinical testing. Allele origin: germline.
Comment: The p.Y273C variant (also known as c.818A>G), located in coding exon 10 of the EYA4 gene, results from an A to G substitution at nucleotide position 818. The tyrosine at codon 273 is replaced by cysteine, an amino acid with highly dissimilar properties. This amino acid position is conserved. In addition, this alteration is predicted to be deleterious by in silico analysis. Since supporting evidence is limited at this time, the clinical significance of this alteration remains unclear.

NM_004100.5(EYA4):c.818A>G (p.Tyr273Cys)

Gene: EYA4 (EYA transcriptional coactivator and phosphatase 4; plus strand). Cytogenetic location: 6q23.2.
Variant type: single nucleotide variant.
Coding change: c.818A>G on transcript NM_004100.5 (MANE Select); coding-DNA position 818, A replaced by G.
Protein change: p.Tyr273Cys; replaces tyrosine 273 with cysteine.
Molecular consequence: missense variant.
Genome position (GRCh38, 1-based): chr6:133,468,579, A>G. VCF-style: chr6-133468579-A-G. GRCh37 (hg19) VCF-style: chr6-133789717-A-G.
Other names: c.656A>G, p.Tyr219Cys (NM_001301012.2, NM_001370459.1); c.818A>G, p.Tyr273Cys (NM_001301013.2, NM_172105.4); c.749A>G, p.Tyr250Cys (NM_001370458.1, NM_172103.4); short protein forms Y273C, Y250C, Y219C.
Identifiers: ClinVar variation 1762338 (VCV001762338.2), dbSNP rs1173112352, ClinGen allele CA365703225.